The following is an entry in ClinVar:

ClinVar aggregate classification (germline): Pathogenic (1 of 4 stars; one submission).

Conditions:
Mitochondrial complex II deficiency, nuclear type 1. Also called: SUCCINATE CoQ REDUCTASE DEFICIENCY. Identifiers: Orphanet 3208, MedGen C5700310, MONDO:0100294, OMIM 252011.
Pheochromocytoma/paraganglioma syndrome 5. Also called: Paragangliomas 5; SDHA-Related Hereditary Paraganglioma-Pheochromocytoma Syndrome. Identifiers: Orphanet 29072, MedGen C3279992, MONDO:0013602, OMIM 614165.

Submission:

Labcorp Genetics (formerly Invitae), Labcorp
Classification: Pathogenic for Pheochromocytoma/paraganglioma syndrome 5; Mitochondrial complex II deficiency, nuclear type 1. Last evaluated: 2018-02-06. Review status: criteria provided, single submitter. Criteria: Invitae Variant Classification Sherloc (09022015). Collection method: clinical testing. Allele origin: germline.
Comment: For these reasons, this variant has been classified as Pathogenic. Loss-of-function variants in SDHA are known to be pathogenic (PMID: 22974104, 24781757). This variant has not been reported in the literature in individuals with SDHA-related disease. This variant is not present in population databases (ExAC no frequency). This sequence change creates a premature translational stop signal (p.Lys517Glufs*86) in the SDHA gene. It is expected to result in an absent or disrupted protein product.

Literature cited by the submitters: PubMed 22974104; PubMed 24781757.

NM_004168.4(SDHA):c.1547dup (p.Lys517fs)

Gene: SDHA (succinate dehydrogenase complex flavoprotein subunit A; plus strand). Cytogenetic location: 5p15.33.
Variant type: Duplication.
Coding change: c.1547dup on transcript NM_004168.4 (MANE Select); coding-DNA position 1547, one base duplicated (A; older notation c.1547dupA).
Protein change: p.Lys517fs; shifts the reading frame from lysine 517.
Molecular consequence: frameshift variant.
Genome position (GRCh38, 1-based): chr5:240,472, A duplicated. VCF-style (leftmost placement, unchanged base first): chr5-240471-C-CA. GRCh37 (hg19) VCF-style: chr5-240586-C-CA.
Other names: c.1403dup, p.Lys469fs (NM_001294332.2); c.1547dup, p.Lys517fs (NM_001330758.2); c.1547dupA (NM_004168.3); short protein forms K469fs, K517fs.
Identifiers: ClinVar variation 539642 (VCV000539642.7), dbSNP rs1554000378, ClinGen allele CA658796492.